The following is an entry in ClinVar:

NM_001267550.2(TTN):c.106402C>G (p.Leu35468Val)

Genes: TTN (titin; minus strand), TTN-AS1 (TTN antisense RNA 1; plus strand). Cytogenetic location: 2q31.2.
Variant type: single nucleotide variant.
Coding change: c.106402C>G on transcript NM_001267550.2 (MANE Select); coding-DNA position 106402, C replaced by G.
Protein change: p.Leu35468Val; replaces leucine 35468 with valine.
Molecular consequence: missense variant.
Genome position (GRCh38, 1-based): chr2:178,530,089, G>C on the plus strand (C>G on the coding strand, the complement: TTN is on the minus strand). VCF-style: chr2-178530089-G-C. GRCh37 (hg19) VCF-style: chr2-179394816-G-C.
Other names: c.101479C>G, p.Leu33827Val (NM_001256850.1); c.79207C>G, p.Leu26403Val (NM_003319.4); c.98698C>G, p.Leu32900Val (NM_133378.4); c.79582C>G, p.Leu26528Val (NM_133432.3); c.79783C>G, p.Leu26595Val (NM_133437.4); short protein forms L26595V, L35468V, L26403V, L33827V, L32900V, L26528V.
Identifiers: ClinVar variation 2072287 (VCV002072287.4), dbSNP rs1688391632, ClinGen allele CA349405502.
Genomic context (GRCh38, chr2:178,530,089, plus strand): 5'-CACTGTCAGAAGTATCAGTCTTATGAATTTCTAAGAAGAACCCTCCCTTGTCTTCAGAGA[G>C]TTTATATTTACCTCCTTGTGTAATGGCCTGTAGAATGCAAATGATTTGTGTTTTAAAAAG-3'
Protein context (NP_001254479.2, residues 35458-35478): KAITQGGKYK[Leu35468Val]SEDKGGFFLE

ClinVar aggregate classification (germline): Uncertain significance (1 of 4 stars; one submission).

Conditions:
Dilated cardiomyopathy 1G (CMD1G). Identifiers: Orphanet 154, MedGen C1858763, MONDO:0011400, OMIM 604145.
Autosomal recessive limb-girdle muscular dystrophy type 2J (LGMDR10). Also called: Limb-girdle muscular dystrophy, type 2J; MUSCULAR DYSTROPHY, LIMB-GIRDLE, AUTOSOMAL RECESSIVE 10. Identifiers: Orphanet 140922, MedGen C1837342, MONDO:0012127, OMIM 608807.

Submission:

Labcorp Genetics (formerly Invitae), Labcorp
Classification: Uncertain significance for Dilated cardiomyopathy 1G; Autosomal recessive limb-girdle muscular dystrophy type 2J. Last evaluated: 2022-04-06. Review status: criteria provided, single submitter. Criteria: Invitae Variant Classification Sherloc (09022015). Collection method: clinical testing. Allele origin: germline.
Comment: In summary, the available evidence is currently insufficient to determine the role of this variant in disease. Therefore, it has been classified as a Variant of Uncertain Significance. This variant is located in the M band of TTN (PMID: 25589632). Variants in this region may be relevant for neuromuscular disorders, but have not been definitively shown to cause cardiomyopathy (PMID: 23975875). Experimental studies and prediction algorithms are not available or were not evaluated, and the functional significance of this variant is currently unknown. This variant has not been reported in the literature in individuals affected with TTN-related conditions. This variant is not present in population databases (gnomAD no frequency). This sequence change replaces leucine, which is neutral and non-polar, with valine, which is neutral and non-polar, at codon 35468 of the TTN protein (p.Leu35468Val).

Literature cited by the submitters: PubMed 25589632; PubMed 23975875.